The following is an entry in ClinVar:

ClinVar aggregate classification (germline): Uncertain significance (1 of 4 stars; one submission).

Conditions:
Autosomal recessive limb-girdle muscular dystrophy type 2A (LGMDR1). Also called: Limb-girdle muscular dystrophy, type 2A; Calpainopathy; Muscular dystrophy, limb-girdle, type 2A, Amish; LEYDEN-MOEBIUS MUSCULAR DYSTROPHY; MUSCULAR DYSTROPHY, PELVOFEMORAL. Identifiers: Orphanet 267, MedGen C1869123, MONDO:0009675, OMIM 253600. Disease mechanism: loss of function.

Submission:

Labcorp Genetics (formerly Invitae), Labcorp
Classification: Uncertain significance for Autosomal recessive limb-girdle muscular dystrophy type 2A. Last evaluated: 2024-07-02. Review status: criteria provided, single submitter. Criteria: Invitae Variant Classification Sherloc (09022015). Collection method: clinical testing. Allele origin: germline.
Comment: This sequence change replaces alanine, which is neutral and non-polar, with valine, which is neutral and non-polar, at codon 420 of the CAPN3 protein (p.Ala420Val). This variant is present in population databases (rs768036465, gnomAD 0.006%). This variant has not been reported in the literature in individuals affected with CAPN3-related conditions. Advanced modeling of protein sequence and biophysical properties (such as structural, functional, and spatial information, amino acid conservation, physicochemical variation, residue mobility, and thermodynamic stability) performed at Invitae indicates that this missense variant is not expected to disrupt CAPN3 protein function with a negative predictive value of 80%. In summary, the available evidence is currently insufficient to determine the role of this variant in disease. Therefore, it has been classified as a Variant of Uncertain Significance.

NM_000070.3(CAPN3):c.1259C>T (p.Ala420Val)

Gene: CAPN3 (calpain 3; plus strand). Cytogenetic location: 15q15.1.
Variant type: single nucleotide variant.
Coding change: c.1259C>T on transcript NM_000070.3 (MANE Select); coding-DNA position 1259, C replaced by T.
Protein change: p.Ala420Val; replaces alanine 420 with valine.
Molecular consequence: missense variant.
Genome position (GRCh38, 1-based): chr15:42,399,557, C>T. VCF-style: chr15-42399557-C-T. GRCh37 (hg19) VCF-style: chr15-42691755-C-T.
Other names: c.1259C>T, p.Ala420Val (NM_024344.2); c.1115C>T, p.Ala372Val (NM_173087.2); short protein forms A372V, A420V.
Identifiers: ClinVar variation 3605308 (VCV003605308.2).